The following is an entry in ClinVar:

ClinVar aggregate classification (germline): Benign/Likely benign. Review status: criteria provided, multiple submitters, no conflicts (2 of 4 stars). 3 submissions from 3 submitters: Benign (1); Likely benign (1). 1 of the submissions does not count toward it. Last evaluated 2025-12-23.

Conditions:
PRPF6-related disorder. Also called: PRPF6-related condition.

Allele frequency attached by ClinVar (database versions not stated): ExAC 0.00027; ESP Exome Variant Server 0.00069; gnomAD 0.00086; TOPMed 0.00115; 1000 Genomes Project 0.00220; 1000 Genomes Project 30x 0.00250.
gnomAD v4.1: 295 of 1,612,832 alleles (0.018%); highest among the groups gnomAD compares: African/African-American, 0.36%; no homozygotes.

Submissions (5):

Labcorp Genetics (formerly Invitae), Labcorp
Classification: Benign. Last evaluated: 2025-12-23. Review status: criteria provided, single submitter. Criteria: Invitae Variant Classification Sherloc (09022015). Collection method: clinical testing. Allele origin: germline.

Blueprint Genetics
Classification: Likely benign. Last evaluated: 2024-05-20. Review status: criteria provided, single submitter. Criteria: ACMG Guidelines, 2015. Collection method: clinical testing. Allele origin: germline.

PreventionGenetics, part of Exact Sciences
Classification: Likely benign for PRPF6-related condition. Last evaluated: 2019-08-28. Review status: no assertion criteria provided. Collection method: clinical testing. Allele origin: germline. Not counted in ClinVar's aggregate classification.
Comment: This variant is classified as likely benign based on ACMG/AMP sequence variant interpretation guidelines (Richards et al. 2015 PMID: 25741868, with internal and published modifications).

Dr. Peter K. Rogan Lab, Western University
No classification provided (evidence only). Condition: Familial cancer of breast. Review status: no classification provided. Collection method: in vitro. Allele origin: not applicable. Functional consequence: retained intron. Not counted in ClinVar's aggregate classification.

Dr. Peter K. Rogan Lab, Western University
No classification provided (evidence only). Condition: Uterine corpus endometrial carcinoma. Review status: no classification provided. Collection method: in vitro. Allele origin: not applicable. Functional consequence: retained intron. Not counted in ClinVar's aggregate classification.

NM_012469.4(PRPF6):c.2205+5G>C

Gene: PRPF6 (pre-mRNA processing factor 6; plus strand). Cytogenetic location: 20q13.33.
Variant type: single nucleotide variant.
Coding change: c.2205+5G>C on transcript NM_012469.4 (MANE Select); 5 bases into the intron after coding-DNA position 2205, G replaced by C.
Molecular consequence: intron variant.
Genome position (GRCh38, 1-based): chr20:64,027,163, G>C. VCF-style: chr20-64027163-G-C. GRCh37 (hg19) VCF-style: chr20-62658516-G-C.
Identifiers: ClinVar variation 749069 (VCV000749069.15), dbSNP rs190449971, ClinGen allele CA9972388.